The following is an entry in ClinVar:

ClinVar aggregate classification (germline): Likely pathogenic (1 of 4 stars; one submission).

Conditions:
Myopathy, proximal, and ophthalmoplegia (CMYO6). Also called: CONGENITAL MYOPATHY 6 WITH OPHTHALMOPLEGIA; MYOPATHY WITH CONGENITAL JOINT CONTRACTURES, OPHTHALMOPLEGIA, AND RIMMED VACUOLES; INCLUSION BODY MYOPATHY 3, AUTOSOMAL DOMINANT. Identifiers: Orphanet 363677, Orphanet 79091, MedGen C1854106, MONDO:0011577, OMIM 605637.

Allele frequency attached by ClinVar (database versions not stated): TOPMed below 0.00001.

Submission:

Laboratory for Molecular Medicine, Mass General Brigham Personalized Medicine
Classification: Likely pathogenic for Inclusion body myopathy 3. Last evaluated: 2014-12-22. Review status: criteria provided, single submitter. Criteria: LMM Criteria. Collection method: clinical testing. Allele origin: germline. Inheritance: Autosomal recessive inheritance. Observed: 1 variant allele. Study: CSER-MedSeq.
Comment: The Glu1001GlyfsX26 variant in MYH2 has not been previously reported in individuals with disease. Data from large population studies is insufficient to assess the frequency of this variant. This variant is predicted to cause a frameshift, which alters the protein’s amino acid sequence beginning at position 1001 and leads to a premature termination codon 26 amino acids downstream. This alteration is then predicted to lead to a truncated or absent protein. Homozygous and compound heterozygous truncating variants in MYH2 have been shown to cause autosomal recessive myopathy with external ophthalmoplegia. In summary, although additional studies are required to fully establish its clinical significance, the p.Glu1001GlyfsX26 variant is likely pathogenic.

NM_017534.6(MYH2):c.3002del (p.Glu1001fs)

Genes: MYH2 (myosin heavy chain 2; minus strand), MYHAS (myosin heavy chain gene cluster antisense RNA; plus strand). Cytogenetic location: 17p13.1.
Variant type: Deletion.
Coding change: c.3002del on transcript NM_017534.6 (MANE Select); coding-DNA position 3002, one base deleted (A; older notation c.3002delA).
Protein change: p.Glu1001fs; shifts the reading frame from glutamic acid 1001.
Molecular consequence: frameshift variant.
Genome position (GRCh38, 1-based): chr17:10,529,679, T deleted on the plus strand (A on the coding strand, the reverse complement: MYH2 is on the minus strand). VCF-style (leftmost placement, unchanged base first): chr17-10529678-CT-C. GRCh37 (hg19) VCF-style: chr17-10432995-CT-C.
Other names: c.3002del, p.Glu1001fs (NM_001100112.2); short protein forms E1001fs.
Identifiers: ClinVar variation 208596 (VCV000208596.4), dbSNP rs797045096, ClinGen allele CA210637.
Genomic context (GRCh38, chr17:10,529,678, plus strand): 5'-GTCCTCCTCTGCCTGCAGGTCATCCAGGGTCTGCTGGTGGGCCTCCTGGAGAGCCTTCTT[CT>C]CCTTGGTCAGCTTAGCAATGGTTTCATCCAGACCTGCCATCTCTTCTGTGAGGTTTTTCA-3'